The following is an entry in ClinVar:

ClinVar aggregate classification (germline): Uncertain significance (1 of 4 stars; one submission).

Allele frequency attached by ClinVar (database versions not stated): gnomAD 0.00001.

Submission:

Labcorp Genetics (formerly Invitae), Labcorp
Classification: Uncertain significance. Last evaluated: 2021-12-02. Review status: criteria provided, single submitter. Criteria: Invitae Variant Classification Sherloc (09022015). Collection method: clinical testing. Allele origin: germline.
Comment: This sequence change replaces glycine, which is neutral and non-polar, with arginine, which is basic and polar, at codon 165 of the MTHFD1 protein (p.Gly165Arg). This variant is present in population databases (rs773185424, gnomAD 0.003%). This variant has not been reported in the literature in individuals affected with MTHFD1-related conditions. Algorithms developed to predict the effect of missense changes on protein structure and function (SIFT, PolyPhen-2, Align-GVGD) all suggest that this variant is likely to be disruptive. In summary, the available evidence is currently insufficient to determine the role of this variant in disease. Therefore, it has been classified as a Variant of Uncertain Significance.

NM_005956.4(MTHFD1):c.493G>A (p.Gly165Arg)

Gene: MTHFD1 (methylenetetrahydrofolate dehydrogenase, cyclohydrolase and formyltetrahydrofolate synthetase 1; plus strand). Cytogenetic location: 14q23.3.
Variant type: single nucleotide variant.
Coding change: c.493G>A on transcript NM_005956.4 (MANE Select); coding-DNA position 493, G replaced by A.
Protein change: p.Gly165Arg; replaces glycine 165 with arginine.
Molecular consequence: missense variant.
Genome position (GRCh38, 1-based): chr14:64,417,902, G>A. VCF-style: chr14-64417902-G-A. GRCh37 (hg19) VCF-style: chr14-64884620-G-A.
Other names: c.493G>A, p.Gly165Arg (NM_001364837.1); short protein forms G165R.
Identifiers: ClinVar variation 1897217 (VCV001897217.2), dbSNP rs773185424, ClinGen allele CA7225958.
Genomic context (GRCh38, chr14:64,417,902, plus strand): 5'-GCAGCTTCTATCCTCCAACTCTGATGCAGGCTGGCTTTTCTTTCAGGGGTGCCGATTGCC[G>A]GAAGGCATGCTGTGGTGGTTGGGCGCAGTAAAATAGTTGGGGCCCCGATGCATGACTTGC-3'
Protein context (NP_005947.3, residues 155-175): LIKETGVPIA[Gly165Arg]RHAVVVGRSK